The following is an entry in ClinVar:

ClinVar aggregate classification (germline): Uncertain significance (1 of 4 stars; one submission).

gnomAD v4.1: 1 of 1,613,880 alleles (0.000062%); highest among the groups gnomAD compares: Non-Finnish European, 0.000085%; no homozygotes.

Submission:

Labcorp Genetics (formerly Invitae), Labcorp
Classification: Uncertain significance. Last evaluated: 2025-04-23. Review status: criteria provided, single submitter. Criteria: Invitae Variant Classification Sherloc (09022015). Collection method: clinical testing. Allele origin: germline.
Comment: This sequence change creates a premature translational stop signal (p.Arg1098*) in the SPECC1L gene. While this is not anticipated to result in nonsense mediated decay, it is expected to disrupt the last 20 amino acid(s) of the SPECC1L protein. This variant is not present in population databases (gnomAD no frequency). This variant has not been reported in the literature in individuals affected with SPECC1L-related conditions. In summary, the available evidence is currently insufficient to determine the role of this variant in disease. Therefore, it has been classified as a Variant of Uncertain Significance.

NM_015330.6(SPECC1L):c.3292C>T (p.Arg1098Ter)

Genes: SPECC1L (sperm antigen with calponin homology and coiled-coil domains 1 like; plus strand), SPECC1L-ADORA2A (SPECC1L-ADORA2A readthrough (NMD candidate); plus strand). Cytogenetic location: 22q11.23.
Variant type: single nucleotide variant.
Coding change: c.3292C>T on transcript NM_015330.6 (MANE Select); coding-DNA position 3292, C replaced by T.
Protein change: p.Arg1098Ter; replaces arginine 1098 with a stop codon.
Molecular consequence: nonsense. On other transcripts: non-coding transcript variant (1).
Genome position (GRCh38, 1-based): chr22:24,414,561, C>T. VCF-style: chr22-24414561-C-T. GRCh37 (hg19) VCF-style: chr22-24810529-C-T.
Other names: c.3292C>T, p.Arg1098Ter (NM_001145468.4); c.3175C>T, p.Arg1059Ter (NM_001254732.3); c.490C>T, p.Arg164Ter (NM_001254733.2); short protein forms R1059*, R1098*, R164*.
Identifiers: ClinVar variation 4718253 (VCV004718253.1).
Genomic context (GRCh38, chr22:24,414,561, plus strand): 5'-CAGTTCTAACCAAGCGTCTTCCTTGTCTGTCAGGACATTAATGAAATGGTACGGACTGAA[C>T]GACCCGACTGGCAGAACGTGATGCTGTATGTGACGGCGATCTACAAGTACTTTGAGACCT-3'